The following is an entry in ClinVar:

ClinVar aggregate classification (germline): Uncertain significance (1 of 4 stars; one submission).

Conditions:
Cardiovascular phenotype. Identifiers: MedGen CN230736.

Submission:

Ambry Genetics
Classification: Uncertain significance for Cardiovascular phenotype. Last evaluated: 2022-08-16. Review status: criteria provided, single submitter. Criteria: Ambry Variant Classification Scheme 2023. Collection method: clinical testing. Allele origin: germline.
Comment: The p.R1554G variant (also known as c.4660C>G), located in coding exon 2 of the ZNF469 gene, results from a C to G substitution at nucleotide position 4660. The arginine at codon 1554 is replaced by glycine, an amino acid with dissimilar properties. This amino acid position is conserved. In addition, this alteration is predicted to be tolerated by in silico analysis. Since supporting evidence is limited at this time, the clinical significance of this alteration remains unclear.

NM_001367624.2(ZNF469):c.4744C>G (p.Arg1582Gly)

Gene: ZNF469 (zinc finger protein 469; plus strand). Cytogenetic location: 16q24.2.
Variant type: single nucleotide variant.
Coding change: c.4744C>G on transcript NM_001367624.2 (MANE Select); coding-DNA position 4744, C replaced by G.
Protein change: p.Arg1582Gly; replaces arginine 1582 with glycine.
Molecular consequence: missense variant.
Genome position (GRCh38, 1-based): chr16:88,432,214, C>G. VCF-style: chr16-88432214-C-G. GRCh37 (hg19) VCF-style: chr16-88498622-C-G.
Other names: NM_001127464.1:c.4660C>G; short protein forms R1582G.
Identifiers: ClinVar variation 1742255 (VCV001742255.2), dbSNP rs1203868819, ClinGen allele CA397093267.